The following is an entry in ClinVar:

ClinVar aggregate classification (germline): Benign. Review status: criteria provided, multiple submitters, no conflicts (2 of 4 stars). 3 submissions from 3 submitters: Benign (3). Last evaluated 2026-02-04.

Conditions:
Mitochondrial hypertrophic cardiomyopathy with lactic acidosis due to MTO1 deficiency. Also called: CARDIOMYOPATHY, INFANTILE HYPERTROPHIC MITOCHONDRIAL, AND LACTIC ACIDOSIS; Combined oxidative phosphorylation deficiency 10. Identifiers: Orphanet 314637, MedGen C4749921, MONDO:0013865, OMIM 614702.

Submissions (3):

Labcorp Genetics (formerly Invitae), Labcorp
Classification: Benign for Mitochondrial hypertrophic cardiomyopathy with lactic acidosis due to MTO1 deficiency. Last evaluated: 2026-02-04. Review status: criteria provided, single submitter. Criteria: Invitae Variant Classification Sherloc (09022015). Collection method: clinical testing. Allele origin: germline.

Blueprint Genetics
Classification: Benign. Last evaluated: 2024-11-27. Review status: criteria provided, single submitter. Criteria: ACMG Guidelines, 2015. Collection method: clinical testing. Allele origin: germline.

GeneDx
Classification: Benign. Last evaluated: 2013-09-09. Review status: criteria provided, single submitter. Criteria: GeneDx Variant Classification (06012015). Collection method: clinical testing. Allele origin: germline. Affected: yes.
Comment: This variant is considered likely benign or benign based on one or more of the following criteria: it is a conservative change, it occurs at a poorly conserved position in the protein, it is predicted to be benign by multiple in silico algorithms, and/or has population frequency not consistent with disease.

NM_012123.4(MTO1):c.938+7=

Gene: MTO1 (mitochondrial tRNA translation optimization 1; plus strand). Cytogenetic location: 6q13.
Variant type: single nucleotide variant.
Coding change: c.938+7= on transcript NM_012123.4 (MANE Select); 7 bases into the intron after coding-DNA position 938, no change from the reference sequence.
Molecular consequence: intron variant.
Genome position: GRCh38 VCF-style: chr6-73479851-A-A. GRCh37 (hg19) VCF-style: chr6-74189574-G-A.
Other names: c.938+7= (NM_133645.3, NM_001123226.2).
Identifiers: ClinVar variation 138273 (VCV000138273.10), dbSNP rs7766570.